The following is an entry in ClinVar:

NM_007294.4(BRCA1):c.835C>T (p.His279Tyr)

Gene: BRCA1 (BRCA1 DNA repair associated; minus strand). Cytogenetic location: 17q21.31.
Variant type: single nucleotide variant.
Coding change: c.835C>T on transcript NM_007294.4 (MANE Select); coding-DNA position 835, C replaced by T.
Protein change: p.His279Tyr; replaces histidine 279 with tyrosine.
Molecular consequence: missense variant. On other transcripts: intron variant (137), 5 prime UTR variant (2).
Genome position (GRCh38, 1-based): chr17:43,094,696, G>A on the plus strand (C>T on the coding strand, the complement: BRCA1 is on the minus strand). VCF-style: chr17-43094696-G-A. GRCh37 (hg19) VCF-style: chr17-41246713-G-A.
Other names: c.787+48C>T (NM_001407969.1, NM_001407968.1, NM_001407973.1 and 19 more transcripts); c.577+48C>T (NM_001408492.1, NM_001408513.1, NM_001408514.1 and 9 more transcripts); c.643+48C>T (NM_001408468.1, NM_001408462.1, NM_001408465.1 and 3 more transcripts); c.523+48C>T (NM_001408501.1, NM_001408500.1, NM_001408497.1 and 3 more transcripts); c.646+48C>T (NM_001408455.1, NM_001408466.1, NM_001408452.1 and 11 more transcripts); c.520+48C>T (NM_001408503.1, NM_001408505.1, NM_001408504.1); c.404-3664C>T (NM_001408511.1); c.460+1150C>T (NM_001408507.1, NM_001408506.1); and 40 more; short protein forms H232Y, H279Y, H111Y, H151Y, H167Y, H191Y, H209Y, H212Y.
Identifiers: ClinVar variation 659023 (VCV000659023.13), dbSNP rs1380919500, ClinGen allele CA10600413.

ClinVar aggregate classification (germline): Conflicting classifications of pathogenicity. Review status: criteria provided, conflicting classifications (1 of 4 stars). 4 submissions from 4 submitters: Uncertain significance (2); Likely benign (1). 1 of the submissions does not count toward it. Last evaluated 2026-08-18.

Conditions:
Breast-ovarian cancer, familial, susceptibility to, 1 (BROVCA1). Also called: BRCA1 Hereditary Breast and Ovarian Cancer; OVARIAN CANCER, SUSCEPTIBILITY TO. Identifiers: Orphanet 145, MedGen C2676676, MONDO:0011450, OMIM 604370. Disease mechanism: loss of function.
Hereditary cancer-predisposing syndrome. Also called: Neoplastic Syndromes, Hereditary; Hereditary Cancer Syndrome; Hereditary neoplastic syndrome; Tumor predisposition. Identifiers: Orphanet 140162, MedGen C0027672, MeSH D009386, MONDO:0015356.
Hereditary breast ovarian cancer syndrome. Also called: Breast and ovarian cancer; Hereditary breast and ovarian cancer syndrome (HBOC); BRCA1- and BRCA2-Associated Hereditary Breast and Ovarian Cancer; Hereditary breast and ovarian cancer syndrome; Hereditary breast and ovarian cancer; Hereditary breast and/or ovarian cancer syndrome. Identifiers: Orphanet 145, MedGen C0677776, MeSH D061325, MONDO:0003582. Disease mechanism: loss of function.

Allele frequency attached by ClinVar (database versions not stated): gnomAD 0.00001.
gnomAD v4.1: 1 of 1,613,242 alleles (0.000062%); highest among the groups gnomAD compares: East Asian, 0.0022%; no homozygotes.

Submissions (4):

Ambry Genetics
Classification: Uncertain significance for Hereditary cancer-predisposing syndrome. Last evaluated: 2026-08-18. Review status: criteria provided, single submitter. Criteria: Ambry Variant Classification Scheme 2023. Collection method: clinical testing. Allele origin: germline.
Comment: The p.H279Y variant (also known as c.835C>T), located in coding exon 9 of the BRCA1 gene, results from a C to T substitution at nucleotide position 835. The histidine at codon 279 is replaced by tyrosine, an amino acid with similar properties. This amino acid position is not well conserved in available vertebrate species. In addition, the in silico prediction for this alteration is inconclusive. Based on the available evidence, the clinical significance of this variant remains unclear.

Labcorp Genetics (formerly Invitae), Labcorp
Classification: Uncertain significance for Hereditary breast ovarian cancer syndrome. Last evaluated: 2025-11-03. Review status: criteria provided, single submitter. Criteria: Invitae Variant Classification Sherloc (09022015). Collection method: clinical testing. Allele origin: germline.
Comment: This sequence change replaces histidine, which is basic and polar, with tyrosine, which is neutral and polar, at codon 279 of the BRCA1 protein (p.His279Tyr). This variant is present in population databases (no rsID available, gnomAD 0.06%). This variant has not been reported in the literature in individuals affected with BRCA1-related conditions. ClinVar contains an entry for this variant (Variation ID: 659023). Invitae Evidence Modeling of protein sequence and biophysical properties (such as structural, functional, and spatial information, amino acid conservation, physicochemical variation, residue mobility, and thermodynamic stability) indicates that this missense variant is expected to disrupt BRCA1 protein function with a positive predictive value of 80%. In summary, the available evidence is currently insufficient to determine the role of this variant in disease. Therefore, it has been classified as a Variant of Uncertain Significance.

University of Washington Department of Laboratory Medicine, University of Washington
Classification: Likely benign for Hereditary cancer-predisposing syndrome. Last evaluated: 2023-03-23. Review status: criteria provided, single submitter. Criteria: Dines et al. (Genet Med. 2020). Collection method: curation. Allele origin: germline.
Comment: Missense variant in a coldspot region where missense variants are very unlikely to be pathogenic (PMID:31911673).

BRCA1 coldspot (exon 11 using historical exon numbering). Reclassification based on statistical prior probability

BRCAlab, Lund University
Classification: Uncertain significance for Breast-ovarian cancer, familial, susceptibility to, 1. Last evaluated: 2020-03-02. Review status: no assertion criteria provided. Collection method: clinical testing. Allele origin: germline. Affected: yes. Not counted in ClinVar's aggregate classification.